The following is an entry in ClinVar:

NM_006904.7(PRKDC):c.2697A>C (p.Arg899Ser)

Gene: PRKDC (protein kinase, DNA-activated, catalytic subunit; minus strand). Cytogenetic location: 8q11.21.
Variant type: single nucleotide variant.
Coding change: c.2697A>C on transcript NM_006904.7 (MANE Select); coding-DNA position 2697, A replaced by C.
Protein change: p.Arg899Ser; replaces arginine 899 with serine.
Molecular consequence: missense variant.
Genome position (GRCh38, 1-based): chr8:47,913,985, T>G on the plus strand (A>C on the coding strand, the complement: PRKDC is on the minus strand). VCF-style: chr8-47913985-T-G. GRCh37 (hg19) VCF-style: chr8-48826545-T-G.
Other names: c.2697A>C, p.Arg899Ser (NM_001081640.2); short protein forms R899S.
Identifiers: ClinVar variation 1794855 (VCV001794855.2), dbSNP rs2551876862, ClinGen allele CA371159318.

ClinVar aggregate classification (germline): Uncertain significance (1 of 4 stars; one submission).

Submission:

Ambry Genetics
Classification: Uncertain significance. Last evaluated: 2022-04-09. Review status: criteria provided, single submitter. Criteria: Ambry Variant Classification Scheme 2023. Collection method: clinical testing. Allele origin: germline.
Comment: The p.R899S variant (also known as c.2697A>C), located in coding exon 24 of the PRKDC gene, results from an A to C substitution at nucleotide position 2697. The arginine at codon 899 is replaced by serine, an amino acid with dissimilar properties. This amino acid position is conserved. In addition, this alteration is predicted to be tolerated by in silico analysis. Since supporting evidence is limited at this time, the clinical significance of this alteration remains unclear.